The following is an entry in ClinVar:

ClinVar aggregate classification (germline): Uncertain significance. Review status: criteria provided, multiple submitters, no conflicts (2 of 4 stars). 3 submissions from 3 submitters: Uncertain significance (3). Last evaluated 2025-09-03.

Conditions:
Hereditary cancer-predisposing syndrome. Also called: Hereditary Cancer Syndrome; Hereditary neoplastic syndrome; Tumor predisposition; Neoplastic Syndromes, Hereditary. Identifiers: Orphanet 140162, MedGen C0027672, MeSH D009386, MONDO:0015356.
Tuberous sclerosis 1 (TSC1). Identifiers: Orphanet 805, MedGen C1854465, MONDO:0008612, OMIM 191100.

Submissions (3):

Ambry Genetics
Classification: Uncertain significance for Hereditary cancer-predisposing syndrome. Last evaluated: 2025-09-03. Review status: criteria provided, single submitter. Criteria: Ambry Variant Classification Scheme 2023. Collection method: clinical testing. Allele origin: germline.
Comment: The p.F608L variant (also known as c.1822T>C), located in coding exon 13 of the TSC1 gene, results from a T to C substitution at nucleotide position 1822. The phenylalanine at codon 608 is replaced by leucine, an amino acid with highly similar properties. This amino acid position is highly conserved in available vertebrate species. In addition, this alteration is predicted to be deleterious by in silico analysis. Based on the available evidence, the clinical significance of this variant remains unclear.

Labcorp Genetics (formerly Invitae), Labcorp
Classification: Uncertain significance for Tuberous sclerosis 1. Last evaluated: 2025-06-22. Review status: criteria provided, single submitter. Criteria: Invitae Variant Classification Sherloc (09022015). Collection method: clinical testing. Allele origin: germline.
Comment: This sequence change replaces phenylalanine, which is neutral and non-polar, with leucine, which is neutral and non-polar, at codon 608 of the TSC1 protein (p.Phe608Leu). This variant is not present in population databases (gnomAD no frequency). This variant has not been reported in the literature in individuals affected with TSC1-related conditions. ClinVar contains an entry for this variant (Variation ID: 1001192). Invitae Evidence Modeling of protein sequence and biophysical properties (such as structural, functional, and spatial information, amino acid conservation, physicochemical variation, residue mobility, and thermodynamic stability) indicates that this missense variant is not expected to disrupt TSC1 protein function with a negative predictive value of 95%. In summary, the available evidence is currently insufficient to determine the role of this variant in disease. Therefore, it has been classified as a Variant of Uncertain Significance.

Blueprint Genetics
Classification: Uncertain significance. Last evaluated: 2021-12-14. Review status: criteria provided, single submitter. Criteria: ACMG Guidelines, 2015. Collection method: clinical testing. Allele origin: germline.

NM_000368.5(TSC1):c.1822T>C (p.Phe608Leu)

Gene: TSC1 (TSC complex subunit 1; minus strand). Cytogenetic location: 9q34.13.
Variant type: single nucleotide variant.
Coding change: c.1822T>C on transcript NM_000368.5 (MANE Select); coding-DNA position 1822, T replaced by C.
Protein change: p.Phe608Leu; replaces phenylalanine 608 with leucine.
Molecular consequence: missense variant.
Genome position (GRCh38, 1-based): chr9:132,905,756, A>G on the plus strand (T>C on the coding strand, the complement: TSC1 is on the minus strand). VCF-style: chr9-132905756-A-G. GRCh37 (hg19) VCF-style: chr9-135781143-A-G.
Other names: c.1819T>C, p.Phe607Leu (NM_001162426.2); c.1669T>C, p.Phe557Leu (NM_001162427.2); c.1459T>C, p.Phe487Leu (NM_001362177.2); short protein forms F487L, F557L, F607L, F608L.
Identifiers: ClinVar variation 1001192 (VCV001001192.13), dbSNP rs1845619679, ClinGen allele CA375363288.